The following is an entry in ClinVar:

ClinVar aggregate classification (germline): Uncertain significance (1 of 4 stars; one submission).

Conditions:
LAMA2-related muscular dystrophy (LAMA2-RD). Also called: Laminin alpha 2-related dystrophy. Identifiers: MedGen C5679788, MONDO:0100228.

Submission:

Labcorp Genetics (formerly Invitae), Labcorp
Classification: Uncertain significance for LAMA2-related muscular dystrophy. Last evaluated: 2019-02-06. Review status: criteria provided, single submitter. Criteria: Invitae Variant Classification Sherloc (09022015). Collection method: clinical testing. Allele origin: germline.
Comment: This sequence change affects codon 2385 of the LAMA2 mRNA. It is a 'silent' change, meaning that it does not change the encoded amino acid sequence of the LAMA2 protein. This variant also falls at the last nucleotide of exon 50 of the LAMA2 coding sequence, which is part of the consensus splice site for this exon. This variant is not present in population databases (ExAC no frequency). This variant has not been reported in the literature in individuals with LAMA2-related disease. Nucleotide substitutions within the consensus splice site are a relatively common cause of aberrant splicing (PMID: 17576681, 9536098). Algorithms developed to predict the effect of sequence changes on RNA splicing suggest that this variant may disrupt the consensus splice site, but this prediction has not been confirmed by published transcriptional studies. In summary, the available evidence is currently insufficient to determine the role of this variant in disease. Therefore, it has been classified as a Variant of Uncertain Significance.

Literature cited by the submitters: PubMed 17576681; PubMed 9536098.

NM_000426.4(LAMA2):c.7155G>A (p.Leu2385=)

Gene: LAMA2 (laminin subunit alpha 2; plus strand). Cytogenetic location: 6q22.33.
Variant type: single nucleotide variant.
Coding change: c.7155G>A on transcript NM_000426.4 (MANE Select); coding-DNA position 7155, G replaced by A.
Protein change: p.Leu2385=; no amino-acid change (leucine 2385 retained).
Molecular consequence: synonymous variant.
Genome position (GRCh38, 1-based): chr6:129,464,452, G>A. VCF-style: chr6-129464452-G-A. GRCh37 (hg19) VCF-style: chr6-129785597-G-A.
Other names: c.7155G>A, p.Leu2385= (NM_001079823.2).
Identifiers: ClinVar variation 543840 (VCV000543840.7), dbSNP rs1554301723, ClinGen allele CA451926040.